The following is an entry in ClinVar:

NM_001291088.2(WDR87):c.8573A>G (p.Gln2858Arg)

Gene: WDR87 (WD repeat domain 87; minus strand). Cytogenetic location: 19q13.13.
Variant type: single nucleotide variant.
Coding change: c.8573A>G on transcript NM_001291088.2 (MANE Select); coding-DNA position 8573, A replaced by G.
Protein change: p.Gln2858Arg; replaces glutamine 2858 with arginine.
Molecular consequence: missense variant.
Genome position (GRCh38, 1-based): chr19:37,885,098, T>C on the plus strand (A>G on the coding strand, the complement: WDR87 is on the minus strand). VCF-style: chr19-37885098-T-C. GRCh37 (hg19) VCF-style: chr19-38375738-T-C.
Other names: c.8456A>G, p.Gln2819Arg (NM_031951.5); short protein forms Q2819R, Q2858R.
Identifiers: ClinVar variation 1599979 (VCV001599979.22), dbSNP rs200123506, ClinGen allele CA9408353.

ClinVar aggregate classification (germline): Benign/Likely benign. Review status: criteria provided, multiple submitters, no conflicts (2 of 4 stars). 3 submissions from 3 submitters: Benign (2); Likely benign (1). Last evaluated 2026-01-26.

Allele frequency attached by ClinVar (database versions not stated): 1000 Genomes Project 0.00040; TOPMed 0.00143; 1000 Genomes Project 30x 0.00047; ESP Exome Variant Server 0.00131; gnomAD exomes 0.00186 and 0.00201; gnomAD 0.00189 and 0.00194; ExAC 0.00294.
gnomAD v4.1: 2,754 of 1,464,468 alleles (0.19%); highest among the groups gnomAD compares: Middle Eastern, 0.29%; 2 homozygotes.

Submissions (3):

Labcorp Genetics (formerly Invitae), Labcorp
Classification: Benign. Last evaluated: 2026-01-26. Review status: criteria provided, single submitter. Criteria: Invitae Variant Classification Sherloc (09022015). Collection method: clinical testing. Allele origin: germline.

CeGaT Center for Human Genetics Tuebingen
Classification: Likely benign. Last evaluated: 2024-10-01. Review status: criteria provided, single submitter. Criteria: CeGaT Center For Human Genetics Tuebingen Variant Classification Criteria Version 2. Collection method: clinical testing. Allele origin: germline. Affected: yes. Observed: 1 variant allele.
Comment: WDR87: PP2, BP4, BS2

Breakthrough Genomics
Classification: Benign. Review status: criteria provided, single submitter. Criteria: ACMG Guidelines, 2015. Collection method: not provided. Allele origin: germline. Inheritance: Unknown mechanism. Affected: yes.